The following is an entry in ClinVar:

ClinVar aggregate classification (germline): Uncertain significance (1 of 4 stars; one submission).

Submission:

Labcorp Genetics (formerly Invitae), Labcorp
Classification: Uncertain significance. Last evaluated: 2024-10-14. Review status: criteria provided, single submitter. Criteria: Invitae Variant Classification Sherloc (09022015). Collection method: clinical testing. Allele origin: germline.
Comment: This variant, c.1099_1101del, results in the deletion of 1 amino acid(s) of the TULP1 protein (p.Ile367del), but otherwise preserves the integrity of the reading frame. This variant is not present in population databases (gnomAD no frequency). This variant has not been reported in the literature in individuals affected with TULP1-related conditions. ClinVar contains an entry for this variant (Variation ID: 1357647). Experimental studies and prediction algorithms are not available or were not evaluated, and the functional significance of this variant is currently unknown. In summary, the available evidence is currently insufficient to determine the role of this variant in disease. Therefore, it has been classified as a Variant of Uncertain Significance.

NM_003322.6(TULP1):c.1099_1101del (p.Ile367del)

Gene: TULP1 (TUB like protein 1; minus strand). Cytogenetic location: 6p21.31.
Variant type: Deletion.
Coding change: c.1099_1101del on transcript NM_003322.6 (MANE Select); coding-DNA positions 1099 to 1101, 3 bases deleted (ATC; older notation c.1099_1101delATC).
Protein change: p.Ile367del; deletes isoleucine 367.
Molecular consequence: inframe deletion.
Genome position (GRCh38, 1-based): chr6:35,505,752-35,505,754, GAT deleted on the plus strand (ATC on the coding strand, the reverse complement: TULP1 is on the minus strand); deleting any 3 consecutive bases within chr6:35,505,752-35,505,756 gives the same sequence; the c. name uses the placement nearest the transcript's 3' end. VCF-style (leftmost placement, unchanged base first): chr6-35505751-CGAT-C. GRCh37 (hg19) VCF-style: chr6-35473528-CGAT-C.
Other names: c.940_942del, p.Ile314del (NM_001289395.2); short protein forms I367del, I314del.
Identifiers: ClinVar variation 1357647 (VCV001357647.8), dbSNP rs2150925211, ClinGen allele CA2573140327.